The following is an entry in ClinVar:

ClinVar aggregate classification (germline): Benign/Likely benign. Review status: criteria provided, multiple submitters, no conflicts (2 of 4 stars). 3 submissions from 3 submitters: Benign (1); Likely benign (2). Last evaluated 2026-05-04.

Allele frequency attached by ClinVar (database versions not stated): 1000 Genomes Project 0.00439; 1000 Genomes Project 30x 0.00547; gnomAD exomes 0.00054; ExAC 0.00068; gnomAD 0.00186 and 0.00191; TOPMed 0.00208; ESP Exome Variant Server 0.00215.
gnomAD v4.1: 498 of 1,614,086 alleles (0.031%); highest among the groups gnomAD compares: African/African-American, 0.57%; 2 homozygotes.

Submissions (3):

Women's Health and Genetics/Laboratory Corporation of America, LabCorp
Classification: Likely benign. Last evaluated: 2026-05-04. Review status: criteria provided, single submitter. Criteria: LabCorp Variant Classification Summary - May 2015. Collection method: clinical testing. Allele origin: germline.
Comment: Variant summary: C1S c.934G>A (p.Val312Ile) results in a conservative amino acid change in the encoded protein sequence. Algorithms developed to predict the effect of missense changes on protein structure and function are either unavailable or do not agree on the potential impact of this missense change. The variant allele was found at a frequency of 0.00054 in 251494 control chromosomes, predominantly at a frequency of 0.007 within the African or African-American subpopulation in the gnomAD database, including 2 homozygotes. The observed variant frequency within African or African-American control individuals in the gnomAD database exceeds the estimated maximal expected allele frequency for disease-causing variants in C1S. To our knowledge, no occurrence of c.934G>A in individuals affected with C1S-related conditions and no experimental evidence demonstrating its impact on protein function have been reported. ClinVar contains an entry for this variant (Variation ID: 741459). Based on the evidence outlined above, the variant was classified as likely benign.

Labcorp Genetics (formerly Invitae), Labcorp
Classification: Benign. Last evaluated: 2026-02-01. Review status: criteria provided, single submitter. Criteria: Invitae Variant Classification Sherloc (09022015). Collection method: clinical testing. Allele origin: germline.

CeGaT Center for Human Genetics Tuebingen
Classification: Likely benign. Last evaluated: 2023-12-01. Review status: criteria provided, single submitter. Criteria: CeGaT Center For Human Genetics Tuebingen Variant Classification Criteria Version 2. Collection method: clinical testing. Allele origin: germline. Affected: yes. Observed: 2 variant alleles.
Comment: C1S: BP4, BS2

NM_001734.5(C1S):c.934G>A (p.Val312Ile)

Gene: C1S (complement C1s; plus strand). Cytogenetic location: 12p13.31.
Variant type: single nucleotide variant.
Coding change: c.934G>A on transcript NM_001734.5 (MANE Select); coding-DNA position 934, G replaced by A.
Protein change: p.Val312Ile; replaces valine 312 with isoleucine.
Molecular consequence: missense variant.
Genome position (GRCh38, 1-based): chr12:7,066,580, G>A. VCF-style: chr12-7066580-G-A. GRCh37 (hg19) VCF-style: chr12-7173884-G-A.
Other names: c.433G>A, p.Val145Ile (NM_001346850.2); c.934G>A, p.Val312Ile (NM_201442.4); short protein forms V312I, V145I.
Identifiers: ClinVar variation 741459 (VCV000741459.36), dbSNP rs147147059, ClinGen allele CA6423621.
Genomic context (GRCh38, chr12:7,066,580, plus strand): 5'-ATGCCCTGCCCTAAGGAAGACACTCCCAATTCTGTTTGGGAGCCTGCGAAGGCAAAATAT[G>A]TCTTTAGAGATGTGGTGCAGATAACCTGTCTGGATGGGTTTGAAGTTGTGGAGGTAAAGT-3'
Protein context (NP_001725.1, residues 302-322): SVWEPAKAKY[Val312Ile]FRDVVQITCL